The following is an entry in ClinVar:

ClinVar aggregate classification (germline): Benign. Review status: criteria provided, multiple submitters, no conflicts (2 of 4 stars). 2 submissions from 2 submitters: Benign (2). Last evaluated 2025-02-16.

Submissions (2):

Laboratory of Genetics, Children's Clinical University Hospital Latvia
Classification: Benign. Last evaluated: 2025-02-16. Review status: criteria provided, single submitter. Criteria: ACMG Guidelines, 2015. Collection method: clinical testing. Allele origin: germline. Affected: yes.

Laboratory for Molecular Medicine, Mass General Brigham Personalized Medicine
Classification: Benign. Last evaluated: 2012-03-08. Review status: criteria provided, single submitter. Criteria: LMM Criteria. Collection method: clinical testing. Allele origin: germline. Observed: 1,608 variant alleles.
Comment: This variant is found at a high frequency (>90%) in the general population.

NC_012920.1(MT-RNR1):m.1438A>G

Gene: MT-RNR1 (mitochondrially encoded 12S RNA; plus strand).
Variant type: single nucleotide variant.
Genome position: chrM-1438-A-G.
Identifiers: ClinVar variation 42220 (VCV000042220.6), dbSNP rs2001030, ClinGen allele CA131006.